The following is an entry in ClinVar:

ClinVar aggregate classification (germline): Uncertain significance. Review status: criteria provided, multiple submitters, no conflicts (2 of 4 stars). 2 submissions from 2 submitters: Uncertain significance (2). Last evaluated 2024-11-04.

Conditions:
Inborn genetic diseases. Identifiers: MedGen C0950123, MeSH D030342.

Allele frequency attached by ClinVar (database versions not stated): gnomAD 0.00001; TOPMed 0.00002.
gnomAD v4.1: 29 of 1,614,022 alleles (0.0018%); highest among the groups gnomAD compares: East Asian, 0.022%; no homozygotes.

Submissions (2):

Labcorp Genetics (formerly Invitae), Labcorp
Classification: Uncertain significance. Last evaluated: 2024-11-04. Review status: criteria provided, single submitter. Criteria: Invitae Variant Classification Sherloc (09022015). Collection method: clinical testing. Allele origin: germline.
Comment: This sequence change replaces alanine, which is neutral and non-polar, with valine, which is neutral and non-polar, at codon 1457 of the PCNT protein (p.Ala1457Val). This variant is present in population databases (no rsID available, gnomAD 0.02%). This variant has not been reported in the literature in individuals affected with PCNT-related conditions. ClinVar contains an entry for this variant (Variation ID: 2231553). An algorithm developed to predict the effect of missense changes on protein structure and function outputs the following: PolyPhen-2: "Possibly Damaging". The valine amino acid residue is found in multiple mammalian species, which suggests that this missense change does not adversely affect protein function. In summary, the available evidence is currently insufficient to determine the role of this variant in disease. Therefore, it has been classified as a Variant of Uncertain Significance.

Ambry Genetics
Classification: Uncertain significance for Inborn genetic diseases. Last evaluated: 2021-12-03. Review status: criteria provided, single submitter. Criteria: Ambry Variant Classification Scheme 2023. Collection method: clinical testing. Allele origin: germline.

NM_006031.6(PCNT):c.4370C>T (p.Ala1457Val)

Gene: PCNT (pericentrin; plus strand). Cytogenetic location: 21q22.3.
Variant type: single nucleotide variant.
Coding change: c.4370C>T on transcript NM_006031.6 (MANE Select); coding-DNA position 4370, C replaced by T.
Protein change: p.Ala1457Val; replaces alanine 1457 with valine.
Molecular consequence: missense variant.
Genome position (GRCh38, 1-based): chr21:46,397,418, C>T. VCF-style: chr21-46397418-C-T. GRCh37 (hg19) VCF-style: chr21-47817332-C-T.
Other names: c.4016C>T, p.Ala1339Val (NM_001315529.2); short protein forms A1339V, A1457V.
Identifiers: ClinVar variation 2231553 (VCV002231553.4), dbSNP rs1417794024, ClinGen allele CA410578814.